The following is an entry in ClinVar:

ClinVar aggregate classification (germline): Uncertain significance (1 of 4 stars; one submission).

Allele frequency attached by ClinVar (database versions not stated): gnomAD 0.00001; gnomAD exomes 0.00002; TOPMed 0.00002; ESP Exome Variant Server 0.00008.
gnomAD v4.1: 25 of 1,613,988 alleles (0.0015%); highest among the groups gnomAD compares: Non-Finnish European, 0.0019%; no homozygotes.

Submission:

Labcorp Genetics (formerly Invitae), Labcorp
Classification: Uncertain significance. Last evaluated: 2024-04-26. Review status: criteria provided, single submitter. Criteria: Invitae Variant Classification Sherloc (09022015). Collection method: clinical testing. Allele origin: germline.
Comment: This sequence change replaces aspartic acid, which is acidic and polar, with asparagine, which is neutral and polar, at codon 435 of the IGF1R protein (p.Asp435Asn). This variant is present in population databases (rs370965676, gnomAD 0.002%). This variant has not been reported in the literature in individuals affected with IGF1R-related conditions. Advanced modeling of protein sequence and biophysical properties (such as structural, functional, and spatial information, amino acid conservation, physicochemical variation, residue mobility, and thermodynamic stability) performed at Invitae indicates that this missense variant is not expected to disrupt IGF1R protein function with a negative predictive value of 80%. In summary, the available evidence is currently insufficient to determine the role of this variant in disease. Therefore, it has been classified as a Variant of Uncertain Significance.

NM_000875.5(IGF1R):c.1303G>A (p.Asp435Asn)

Gene: IGF1R (insulin like growth factor 1 receptor; plus strand). Cytogenetic location: 15q26.3.
Variant type: single nucleotide variant.
Coding change: c.1303G>A on transcript NM_000875.5 (MANE Select); coding-DNA position 1303, G replaced by A.
Protein change: p.Asp435Asn; replaces aspartic acid 435 with asparagine.
Molecular consequence: missense variant.
Genome position (GRCh38, 1-based): chr15:98,908,740, G>A. VCF-style: chr15-98908740-G-A. GRCh37 (hg19) VCF-style: chr15-99451969-G-A.
Other names: c.1303G>A, p.Asp435Asn (NM_001291858.2); short protein forms D435N.
Identifiers: ClinVar variation 2898867 (VCV002898867.3), dbSNP rs370965676, ClinGen allele CA275375881.